The following is an entry in ClinVar:

NM_000455.5(STK11):c.841_842del (p.Pro281fs)

Gene: STK11 (serine/threonine kinase 11; plus strand). Cytogenetic location: 19p13.3.
Variant type: Deletion.
Coding change: c.841_842del on transcript NM_000455.5 (MANE Select); coding-DNA positions 841 to 842, 2 bases deleted (CC; older notation c.841_842delCC).
Protein change: p.Pro281fs; shifts the reading frame from proline 281.
Molecular consequence: frameshift variant.
Genome position (GRCh38, 1-based): chr19:1,221,319-1,221,320, CC deleted; deleting any 2 consecutive bases within chr19:1,221,315-1,221,320 gives the same sequence; the c. name uses the placement nearest the transcript's 3' end. VCF-style (leftmost placement, unchanged base first): chr19-1221314-GCC-G. GRCh37 (hg19) VCF-style: chr19-1221313-GCC-G.
Other names: c.838_839delCC (NM_000455.4); c.841_842delCC (NM_000455.4); short protein forms P281fs.
Identifiers: ClinVar variation 424156 (VCV000424156.2), dbSNP rs121913321, ClinGen allele CA10577598.

ClinVar aggregate classification (germline): Pathogenic (1 of 4 stars; one submission).

Submission:

GeneDx
Classification: Pathogenic. Last evaluated: 2017-04-13. Review status: criteria provided, single submitter. Criteria: GeneDx Variant Classification (06012015). Collection method: clinical testing. Allele origin: germline. Affected: yes.
Comment: The c.841_842delCC variant in the STK11 gene has not been published as a pathogenic variant, nor has it been reported as a benign variant to our knowledge. This deletion causes a frameshift starting with codon Proline 281, changes this amino acid to an Alanine residue and creates a premature Stop codon at position 3 of the new reading frame, denoted p.Pro281AlafsX3. This variant is predicted to cause loss of normal protein function either through protein truncation or nonsense-mediated mRNA decay. Based on currently available evidence, we consider c.841_842delCC to be pathogenic.